The following is an entry in ClinVar:

ClinVar aggregate classification (germline): Uncertain significance (1 of 4 stars; one submission).

Allele frequency attached by ClinVar (database versions not stated): gnomAD exomes below 0.00001.
gnomAD v4.1: 2 of 1,614,222 alleles (0.00012%); highest among the groups gnomAD compares: African/African-American, 0.0027%; no homozygotes.

Submission:

Ambry Genetics
Classification: Uncertain significance. Last evaluated: 2023-06-28. Review status: criteria provided, single submitter. Criteria: Ambry Variant Classification Scheme 2023. Collection method: clinical testing. Allele origin: germline.
Comment: The p.F1910L variant (also known as c.5728T>C), located in coding exon 8 of the ALPK2 gene, results from a T to C substitution at nucleotide position 5728. The phenylalanine at codon 1910 is replaced by leucine, an amino acid with highly similar properties. This amino acid position is conserved. In addition, this alteration is predicted to be tolerated by in silico analysis. Since supporting evidence is limited at this time, the clinical significance of this alteration remains unclear.

NM_052947.4(ALPK2):c.5728T>C (p.Phe1910Leu)

Gene: ALPK2 (alpha kinase 2; minus strand). Cytogenetic location: 18q21.31.
Variant type: single nucleotide variant.
Coding change: c.5728T>C on transcript NM_052947.4 (MANE Select); coding-DNA position 5728, T replaced by C.
Protein change: p.Phe1910Leu; replaces phenylalanine 1910 with leucine.
Molecular consequence: missense variant.
Genome position (GRCh38, 1-based): chr18:58,517,120, A>G on the plus strand (T>C on the coding strand, the complement: ALPK2 is on the minus strand). VCF-style: chr18-58517120-A-G. GRCh37 (hg19) VCF-style: chr18-56184352-A-G.
Other names: short protein forms F1910L.
Identifiers: ClinVar variation 2585688 (VCV002585688.2), dbSNP rs2518862964, ClinGen allele CA402549078.
Genomic context (GRCh38, chr18:58,517,120, plus strand): 5'-GAACCCCTTCTCCAAAGTGCAGCTCCTCCGTGGCGATCTGACCACGCAGGCGGCCCCCAA[A>G]GTAGCTGTCATGGAGGAAGTCTTCTTTGAAGATGAGTTGGCTGAATTCAATCTCTTCACA-3'
Protein context (NP_443179.3, residues 1900-1920): FKEDFLHDSY[Phe1910Leu]GGRLRGQIAT